The following is an entry in ClinVar:

NM_002087.4(GRN):c.837G>A (p.Val279=)

Gene: GRN (granulin precursor; plus strand). Cytogenetic location: 17q21.31.
Variant type: single nucleotide variant.
Coding change: c.837G>A on transcript NM_002087.4 (MANE Select); coding-DNA position 837, G replaced by A.
Protein change: p.Val279=; no amino-acid change (valine 279 retained).
Molecular consequence: synonymous variant.
Genome position (GRCh38, 1-based): chr17:44,351,364, G>A. VCF-style: chr17-44351364-G-A. GRCh37 (hg19) VCF-style: chr17-42428732-G-A.
Identifiers: ClinVar variation 2684293 (VCV002684293.1), dbSNP rs2510056774, ClinGen allele CA500622114.

ClinVar aggregate classification (germline): Uncertain significance (1 of 4 stars; one submission).

Allele frequency attached by ClinVar (database versions not stated): gnomAD exomes below 0.00001.

Submission:

Athena Diagnostics
Classification: Uncertain significance. Last evaluated: 2023-03-27. Review status: criteria provided, single submitter. Criteria: Athena Diagnostics Criteria. Collection method: clinical testing. Allele origin: unknown.
Comment: Available data are insufficient to determine the clinical significance of the variant at this time. This variant has been identified in at least one individual with clinical features associated with this gene. This variant has not been reported in large, multi-ethnic general populations. Computational tools yielded predictions that this variant is unlikely to have an effect on normal RNA splicing.

Literature cited by the submitters: PubMed 32507413.